The following is an entry in ClinVar:

ClinVar aggregate classification (germline): Uncertain significance. Review status: criteria provided, multiple submitters, no conflicts (2 of 4 stars). 2 submissions from 2 submitters: Uncertain significance (2). Last evaluated 2021-10-12.

Allele frequency attached by ClinVar (database versions not stated): gnomAD exomes 0.00001 and 0.00004; TOPMed 0.00001; gnomAD 0.00002.
gnomAD v4.1: 57 of 1,612,174 alleles (0.0035%); highest among the groups gnomAD compares: Non-Finnish European, 0.0047%; no homozygotes.

Submissions (2):

Ambry Genetics
Classification: Uncertain significance. Last evaluated: 2021-10-12. Review status: criteria provided, single submitter. Criteria: Ambry Variant Classification Scheme 2023. Collection method: clinical testing. Allele origin: germline.

Labcorp Genetics (formerly Invitae), Labcorp
Classification: Uncertain significance. Last evaluated: 2021-04-28. Review status: criteria provided, single submitter. Criteria: Invitae Variant Classification Sherloc (09022015). Collection method: clinical testing. Allele origin: germline.
Comment: Algorithms developed to predict the effect of missense changes on protein structure and function are either unavailable or do not agree on the potential impact of this missense change (SIFT: "Tolerated"; PolyPhen-2: "Probably Damaging"; Align-GVGD: "Class C0"). This variant is not present in population databases (ExAC no frequency). This sequence change replaces alanine with proline at codon 19 of the SHPK protein (p.Ala19Pro). The alanine residue is moderately conserved and there is a small physicochemical difference between alanine and proline. This variant has not been reported in the literature in individuals with SHPK-related conditions. In summary, the available evidence is currently insufficient to determine the role of this variant in disease. Therefore, it has been classified as a Variant of Uncertain Significance.

NM_013276.4(SHPK):c.55G>C (p.Ala19Pro)

Gene: SHPK (sedoheptulokinase; minus strand). Cytogenetic location: 17p13.2.
Variant type: single nucleotide variant.
Coding change: c.55G>C on transcript NM_013276.4 (MANE Select); coding-DNA position 55, G replaced by C.
Protein change: p.Ala19Pro; replaces alanine 19 with proline.
Molecular consequence: missense variant.
Genome position (GRCh38, 1-based): chr17:3,636,165, C>G on the plus strand (G>C on the coding strand, the complement: SHPK is on the minus strand). VCF-style: chr17-3636165-C-G. GRCh37 (hg19) VCF-style: chr17-3539459-C-G.
Other names: c.55G>C (NM_013276.2); short protein forms A19P.
Identifiers: ClinVar variation 1349135 (VCV001349135.9), dbSNP rs199959866, ClinGen allele CA286998692.
Genomic context (GRCh38, chr17:3,636,165, plus strand): 5'-CACAGCTCGCCAGCACTGCGAACCCGGATGGGTCGTCGGGCGCGGCCCTCAGCAGAGCTG[C>G]CTTCACAGATGTGGTGCCCAGGTCAATGCCGAGGGTGATCGGCCGCGCAGCCATTATCTC-3'
Protein context (NP_037408.2, residues 9-29): GIDLGTTSVK[Ala19Pro]ALLRAAPDDP